The following is an entry in ClinVar:

NM_147686.4(TRAF3IP2):c.819C>G (p.His273Gln)

Genes: TRAF3IP2 (TRAF3 interacting protein 2; minus strand), TRAF3IP2-AS1 (TRAF3IP2 antisense RNA 1; plus strand), LOC114803478 (TRAF3IP2 eExon liver enhancer; plus strand). Cytogenetic location: 6q21.
Variant type: single nucleotide variant.
Coding change: c.819C>G on transcript NM_147686.4 (MANE Select); coding-DNA position 819, C replaced by G.
Protein change: p.His273Gln; replaces histidine 273 with glutamine.
Molecular consequence: missense variant.
Genome position (GRCh38, 1-based): chr6:111,591,268, G>C on the plus strand (C>G on the coding strand, the complement: TRAF3IP2 is on the minus strand). VCF-style: chr6-111591268-G-C. GRCh37 (hg19) VCF-style: chr6-111912471-G-C.
Other names: c.819C>G, p.His273Gln (NM_001164281.3); c.846C>G, p.His282Gln (NM_147200.3); short protein forms H273Q, H282Q.
Identifiers: ClinVar variation 626192 (VCV000626192.15), dbSNP rs144405088, ClinGen allele CA3963255.
Genomic context (GRCh38, chr6:111,591,268, plus strand): 5'-TTCTTCAGTCACCCAGCCCAGAATGCCCAGAGGAGGTAAAGATCACTTACATGGCACCTG[G>C]TGATCGGGACTTCCAGGACAATGGTAATGATAGTTCCATGGAGCATGTGGGGAAAGATTG-3'
Protein context (NP_679211.2, residues 263-283): YHYHCPGSPD[His273Gln]QVPYGHDYPR

ClinVar aggregate classification (germline): Conflicting classifications of pathogenicity. Review status: criteria provided, conflicting classifications (1 of 4 stars). 3 submissions from 2 submitters: Uncertain significance (2); Likely benign (1). Last evaluated 2026-01-25.

Conditions:
Candidiasis, familial, 8 (CANDF8). Identifiers: Orphanet 1334, MedGen C3714992, MONDO:0014230, OMIM 615527.
Psoriasis 13, susceptibility to. Identifiers: MedGen C3279754, MONDO:0013554, OMIM 614070.

Allele frequency attached by ClinVar (database versions not stated): 1000 Genomes Project 0.00120; 1000 Genomes Project 30x 0.00125; ESP Exome Variant Server 0.00161; TOPMed 0.00162; gnomAD 0.00172.
gnomAD v4.1: 374 of 1,487,600 alleles (0.025%); highest among the groups gnomAD compares: African/African-American, 0.47%; no homozygotes.

Submissions (3):

Labcorp Genetics (formerly Invitae), Labcorp
Classification: Likely benign for Candidiasis, familial, 8. Last evaluated: 2026-01-25. Review status: criteria provided, single submitter. Criteria: Invitae Variant Classification Sherloc (09022015). Collection method: clinical testing. Allele origin: germline.

Center for Genomics, Ann and Robert H. Lurie Children's Hospital of Chicago
Classification: Uncertain significance for Candidiasis, familial, 8. Last evaluated: 2018-09-28. Review status: criteria provided, single submitter. Criteria: ACMG Guidelines, 2015. Collection method: clinical testing. Allele origin: germline.
Comment: TRAF3IP2 NM_147686.3 exon 2 p.His273Gln (c.819C>G): This variant has not been reported in the literature but is present in 0.5% (124/23136) African alleles in the Genome Aggregation Database. Evolutionary conservation and computational predictive tools suggest that this variant may not impact the protein. In summary, data on this variant is insufficient for disease classification. Therefore, the clinical significance of this variant is uncertain.

Center for Genomics, Ann and Robert H. Lurie Children's Hospital of Chicago
Classification: Uncertain significance for Candidiasis, familial, 8; Psoriasis 13, susceptibility to. Review status: criteria provided, single submitter. Criteria: ACMG Guidelines, 2015. Collection method: clinical testing. Allele origin: germline.
Comment: the same text as in the submission from Center for Genomics, Ann and Robert H. Lurie Children's Hospital of Chicago above.